The following is an entry in ClinVar:

NM_001365276.2(TNXB):c.8431C>T (p.Arg2811Trp)

Gene: TNXB (tenascin XB; minus strand). Cytogenetic location: 6p21.33.
Variant type: single nucleotide variant.
Coding change: c.8431C>T on transcript NM_001365276.2 (MANE Select); coding-DNA position 8431, C replaced by T.
Protein change: p.Arg2811Trp; replaces arginine 2811 with tryptophan.
Molecular consequence: missense variant.
Genome position (GRCh38, 1-based): chr6:32,055,887, G>A on the plus strand (C>T on the coding strand, the complement: TNXB is on the minus strand). VCF-style: chr6-32055887-G-A. GRCh37 (hg19) VCF-style: chr6-32023664-G-A.
Other names: c.8431C>T, p.Arg2811Trp (NM_019105.8); short protein forms R2811W.
Identifiers: ClinVar variation 451465 (VCV000451465.7), dbSNP rs377299411, ClinGen allele CA3733853.
Genomic context (GRCh38, chr6:32,055,887, plus strand): 5'-TCTTCCTCACTCACAAACACTCACCTGTCACACCCACGGTGGACACCGGGCCCACACGCC[G>A]CCCCTCGTGGAGGCCGTACAGGTGCATCTTGTATTTGCGCCCGGGCTCCAGGCCCCCCAC-3'
Protein context (NP_001352205.1, residues 2801-2821): KMHLYGLHEG[Arg2811Trp]RVGPVSTVGV

ClinVar aggregate classification (germline): Uncertain significance. Review status: criteria provided, multiple submitters, no conflicts (2 of 4 stars). 2 submissions from 2 submitters: Uncertain significance (2). Last evaluated 2025-05-18.

Conditions:
Cardiovascular phenotype. Identifiers: MedGen CN230736.

Allele frequency attached by ClinVar (database versions not stated): TOPMed 0.00004; gnomAD 0.00004 and 0.00005; gnomAD exomes 0.00002 and 0.00004; ExAC 0.00002; ESP Exome Variant Server 0.00013.
gnomAD v4.1: 68 of 1,612,650 alleles (0.0042%); highest among the groups gnomAD compares: African/African-American, 0.0067%; no homozygotes.

Submissions (2):

Ambry Genetics
Classification: Uncertain significance for Cardiovascular phenotype. Last evaluated: 2025-05-18. Review status: criteria provided, single submitter. Criteria: Ambry Variant Classification Scheme 2023. Collection method: clinical testing. Allele origin: germline.

GeneDx
Classification: Uncertain significance. Last evaluated: 2023-02-16. Review status: criteria provided, single submitter. Criteria: GeneDx Variant Classification Process June 2021. Collection method: clinical testing. Allele origin: germline. Affected: yes.
Comment: In silico analysis supports that this missense variant has a deleterious effect on protein structure/function; Has not been previously published as pathogenic or benign to our knowledge